The following is an entry in ClinVar:

NM_021973.3(HAND2):c.401A>G (p.Lys134Arg)

Genes: HAND2 (heart and neural crest derivatives expressed 2; minus strand), HAND2-AS1 (HAND2 antisense RNA 1; plus strand). Cytogenetic location: 4q34.1.
Variant type: single nucleotide variant.
Coding change: c.401A>G on transcript NM_021973.3 (MANE Select); coding-DNA position 401, A replaced by G.
Protein change: p.Lys134Arg; replaces lysine 134 with arginine.
Molecular consequence: missense variant.
Genome position (GRCh38, 1-based): chr4:173,528,889, T>C on the plus strand (A>G on the coding strand, the complement: HAND2 is on the minus strand). VCF-style: chr4-173528889-T-C. GRCh37 (hg19) VCF-style: chr4-174450040-T-C.
Other names: short protein forms K134R.
Identifiers: ClinVar variation 4997561 (VCV004997561.1).

ClinVar aggregate classification (germline): Uncertain significance (1 of 4 stars; one submission).

Conditions:
HAND2-related disorder. Also called: HAND2-related condition.

Submission:

PreventionGenetics, part of Exact Sciences
Classification: Uncertain significance for HAND2-related condition. Last evaluated: 2025-02-13. Review status: criteria provided, single submitter. Criteria: ACMG Guidelines, 2015. Collection method: clinical testing. Allele origin: germline.
Comment: The HAND2 c.401A>G variant is predicted to result in the amino acid substitution p.Lys134Arg. To our knowledge, this variant has not been reported in the literature or in a large population database (gnomAD), indicating this variant is rare. At this time, the clinical significance of this variant is uncertain due to the absence of conclusive functional and genetic evidence.